The following is an entry in ClinVar:

ClinVar aggregate classification (germline): Uncertain significance. Review status: criteria provided, multiple submitters, no conflicts (2 of 4 stars). 2 submissions from 2 submitters: Uncertain significance (2). Last evaluated 2025-10-28.

Conditions:
Inborn genetic diseases. Identifiers: MedGen C0950123, MeSH D030342.

Allele frequency attached by ClinVar (database versions not stated): gnomAD 0.00001; gnomAD exomes 0.00001.
gnomAD v4.1: 4 of 1,613,506 alleles (0.00025%); highest among the groups gnomAD compares: East Asian, 0.0089%; no homozygotes.

Submissions (2):

Ambry Genetics
Classification: Uncertain significance for Inborn genetic diseases. Last evaluated: 2025-10-28. Review status: criteria provided, single submitter. Criteria: Ambry Variant Classification Scheme 2023. Collection method: clinical testing. Allele origin: germline.

GeneDx
Classification: Uncertain significance. Last evaluated: 2017-06-01. Review status: criteria provided, single submitter. Criteria: GeneDx Variant Classification (06012015). Collection method: clinical testing. Allele origin: germline. Affected: yes.
Comment: A variant of uncertain significance has been identified in the EXOSC3 gene. The V159A variant has not been published as a pathogenic variant, nor has it been reported as a benign variant to our knowledge. The V159A variant is not observed in large population cohorts (Lek et al., 2016; 1000 Genomes Consortium et al., 2015; Exome Variant Server). The V159A variant is a conservative amino acid substitution, which is not likely to impact secondary protein structure as these residues share similar properties. However, this substitution occurs at a position that is conserved across species, and in silico analysis predicts this variant is probably damaging to the protein structure/function. Therefore, based on the currently available information, it is unclear whether this variant is a pathogenic variant or a rare benign variant.

NM_016042.4(EXOSC3):c.476T>C (p.Val159Ala)

Gene: EXOSC3 (exosome component 3; minus strand). Cytogenetic location: 9p13.2.
Variant type: single nucleotide variant.
Coding change: c.476T>C on transcript NM_016042.4 (MANE Select); coding-DNA position 476, T replaced by C.
Protein change: p.Val159Ala; replaces valine 159 with alanine.
Molecular consequence: missense variant. On other transcripts: intron variant (1).
Genome position (GRCh38, 1-based): chr9:37,782,136, A>G on the plus strand (T>C on the coding strand, the complement: EXOSC3 is on the minus strand). VCF-style: chr9-37782136-A-G. GRCh37 (hg19) VCF-style: chr9-37782133-A-G.
Other names: c.475-1256T>C (NM_001002269.2); c.476T>C (NM_016042.2); short protein forms V159A.
Identifiers: ClinVar variation 432391 (VCV000432391.3), dbSNP rs1247129345, ClinGen allele CA373475255.
Genomic context (GRCh38, chr9:37,782,136, plus strand): 5'-ACCATCTCTGGTTCCATGTCTTTATTAGCAACCACAAACTGGCCATAGATGAGATCTCCA[A>G]CCTACAATGATATTAAAAACCAGTTCATTTCCTCTCAGCAAACTACAGGTGCTACTATTG-3'
Protein context (NP_057126.2, residues 149-169): ATKRNRPNVQ[Val159Ala]GDLIYGQFVV